The following is an entry in ClinVar:

ClinVar aggregate classification (germline): Pathogenic (1 of 4 stars; one submission).

Submission:

Labcorp Genetics (formerly Invitae), Labcorp
Classification: Pathogenic. Last evaluated: 2022-11-29. Review status: criteria provided, single submitter. Criteria: Invitae Variant Classification Sherloc (09022015). Collection method: clinical testing. Allele origin: germline.
Comment: For these reasons, this variant has been classified as Pathogenic. Advanced modeling of protein sequence and biophysical properties (such as structural, functional, and spatial information, amino acid conservation, physicochemical variation, residue mobility, and thermodynamic stability) performed at Invitae indicates that this missense variant is expected to disrupt USH2A protein function. This sequence change replaces cysteine, which is neutral and slightly polar, with phenylalanine, which is neutral and non-polar, at codon 4814 of the USH2A protein (p.Cys4814Phe). This variant is not present in population databases (gnomAD no frequency). This missense change has been observed in individual(s) with clinical features of Usher syndrome (Invitae). In at least one individual the data is consistent with being in trans (on the opposite chromosome) from a pathogenic variant. ClinVar contains an entry for this variant (Variation ID: 1485370).

NM_206933.4(USH2A):c.14441G>T (p.Cys4814Phe)

Gene: USH2A (usherin; minus strand). Cytogenetic location: 1q41.
Variant type: single nucleotide variant.
Coding change: c.14441G>T on transcript NM_206933.4 (MANE Select); coding-DNA position 14441, G replaced by T.
Protein change: p.Cys4814Phe; replaces cysteine 4814 with phenylalanine.
Molecular consequence: missense variant.
Genome position (GRCh38, 1-based): chr1:215,648,669, C>A on the plus strand (G>T on the coding strand, the complement: USH2A is on the minus strand). VCF-style: chr1-215648669-C-A. GRCh37 (hg19) VCF-style: chr1-215822011-C-A.
Other names: short protein forms C4814F.
Identifiers: ClinVar variation 1485370 (VCV001485370.6), dbSNP rs2102643210, ClinGen allele CA344833773.